The following is an entry in ClinVar:

ClinVar aggregate classification (germline): Uncertain significance (1 of 4 stars; one submission).

Allele frequency attached by ClinVar (database versions not stated): gnomAD 0.00001; ExAC 0.00002; gnomAD exomes 0.00002; TOPMed 0.00002; ESP Exome Variant Server 0.00008.
gnomAD v4.1: 23 of 1,599,050 alleles (0.0014%); highest among the groups gnomAD compares: Non-Finnish European, 0.002%; 1 homozygote.

Submission:

Labcorp Genetics (formerly Invitae), Labcorp
Classification: Uncertain significance. Last evaluated: 2022-08-19. Review status: criteria provided, single submitter. Criteria: Invitae Variant Classification Sherloc (09022015). Collection method: clinical testing. Allele origin: germline.
Comment: This sequence change replaces tyrosine, which is neutral and polar, with cysteine, which is neutral and slightly polar, at codon 944 of the LARS protein (p.Tyr944Cys). This variant is present in population databases (rs138579998, gnomAD 0.006%). This variant has not been reported in the literature in individuals affected with LARS-related conditions. Algorithms developed to predict the effect of missense changes on protein structure and function are either unavailable or do not agree on the potential impact of this missense change (SIFT: "Not Available"; PolyPhen-2: "Benign"; Align-GVGD: "Not Available"). In summary, the available evidence is currently insufficient to determine the role of this variant in disease. Therefore, it has been classified as a Variant of Uncertain Significance.

NM_020117.11(LARS1):c.2831A>G (p.Tyr944Cys)

Gene: LARS1 (leucyl-tRNA synthetase 1; minus strand). Cytogenetic location: 5q32.
Variant type: single nucleotide variant.
Coding change: c.2831A>G on transcript NM_020117.11 (MANE Select); coding-DNA position 2831, A replaced by G.
Protein change: p.Tyr944Cys; replaces tyrosine 944 with cysteine.
Molecular consequence: missense variant.
Genome position (GRCh38, 1-based): chr5:146,128,721, T>C on the plus strand (A>G on the coding strand, the complement: LARS1 is on the minus strand). VCF-style: chr5-146128721-T-C. GRCh37 (hg19) VCF-style: chr5-145508284-T-C.
Other names: c.2693A>G, p.Tyr898Cys (NM_001317964.2); c.2669A>G, p.Tyr890Cys (NM_001317965.2); c.2750A>G, p.Tyr917Cys (NM_016460.4); short protein forms Y890C, Y898C, Y917C, Y944C.
Identifiers: ClinVar variation 1910104 (VCV001910104.2), dbSNP rs138579998, ClinGen allele CA3489215.
Genomic context (GRCh38, chr5:146,128,721, plus strand): 5'-GAGAGCATCACCTCAAAGTGTTTACGTAGAACAGACAGGGTGGTATGTTGCCAAGGTGGA[T>C]AGTTCTTTGCCACATAGATGGTGCAATGTGAGGGCTTCTGCAGGGGTTGTTTGTCAGTCT-3'
Protein context (NP_064502.9, residues 934-954): SHCTIYVAKN[Tyr944Cys]PPWQHTTLSV